The following is an entry in ClinVar:

NM_031466.8(TRAPPC9):c.-174G>T

Gene: TRAPPC9 (trafficking protein particle complex subunit 9; minus strand). Cytogenetic location: 8q24.3.
Variant type: single nucleotide variant.
Coding change: c.-174G>T on transcript NM_031466.8; 174 bases upstream of the start codon, G replaced by T.
Molecular consequence: 5 prime UTR variant.
Genome position (GRCh38, 1-based): chr8:140,458,444, C>A on the plus strand (G>T on the coding strand, the complement: TRAPPC9 is on the minus strand). VCF-style: chr8-140458444-C-A. GRCh37 (hg19) VCF-style: chr8-141468543-C-A.
Identifiers: ClinVar variation 2132834 (VCV002132834.4), dbSNP rs766773378, ClinGen allele CA4893876.
Genomic context (GRCh38, chr8:140,458,444, plus strand): 5'-CCTCACGGTACCCCCCGTGACTCCCACGGTCGTGCCCCCCACGTGGGTGGGTGACCGTGG[C>A]GCGCGCGGCCTGGGAGCGCCTCCAGGATCGCAGGGCCCGGGAGGCACGTGAGGTGCGAGC-3'

ClinVar aggregate classification (germline): Uncertain significance (1 of 4 stars; one submission).

Submission:

Labcorp Genetics (formerly Invitae), Labcorp
Classification: Uncertain significance. Last evaluated: 2022-05-05. Review status: criteria provided, single submitter. Criteria: Invitae Variant Classification Sherloc (09022015). Collection method: clinical testing. Allele origin: germline.
Comment: In summary, the available evidence is currently insufficient to determine the role of this variant in disease. Therefore, it has been classified as a Variant of Uncertain Significance. Experimental studies and prediction algorithms are not available or were not evaluated, and the functional significance of this variant is currently unknown. This variant has not been reported in the literature in individuals affected with TRAPPC9-related conditions. The frequency data for this variant in the population databases is considered unreliable, as metrics indicate poor data quality at this position in the gnomAD database. This sequence change replaces alanine, which is neutral and non-polar, with serine, which is neutral and polar, at codon 41 of the TRAPPC9 protein (p.Ala41Ser).